The following is an entry in ClinVar:

ClinVar aggregate classification (germline): Uncertain significance (1 of 4 stars; one submission).

Submission:

GeneDx
Classification: Uncertain significance. Last evaluated: 2022-08-30. Review status: criteria provided, single submitter. Criteria: GeneDx Variant Classification Process June 2021. Collection method: clinical testing. Allele origin: germline. Affected: yes.
Comment: Not observed at significant frequency in large population cohorts (gnomAD); In silico analysis supports that this missense variant has a deleterious effect on protein structure/function; Has not been previously published as pathogenic or benign to our knowledge

NM_003998.4(NFKB1):c.2381A>G (p.Tyr794Cys)

Gene: NFKB1 (nuclear factor kappa B subunit 1; plus strand). Cytogenetic location: 4q24.
Variant type: single nucleotide variant.
Coding change: c.2381A>G on transcript NM_003998.4 (MANE Select); coding-DNA position 2381, A replaced by G.
Protein change: p.Tyr794Cys; replaces tyrosine 794 with cysteine.
Molecular consequence: missense variant.
Genome position (GRCh38, 1-based): chr4:102,612,072, A>G. VCF-style: chr4-102612072-A-G. GRCh37 (hg19) VCF-style: chr4-103533229-A-G.
Other names: c.2378A>G, p.Tyr793Cys (NM_001165412.2, NM_001319226.2, NM_001382627.1); c.2381A>G, p.Tyr794Cys (NM_001382625.1, NM_001382626.1); c.2339A>G, p.Tyr780Cys (NM_001382628.1); short protein forms Y780C, Y793C, Y794C.
Identifiers: ClinVar variation 2442479 (VCV002442479.1), dbSNP rs2476582052, ClinGen allele CA357754451.